The following is an entry in ClinVar:

NM_006206.6(PDGFRA):c.1365-15C>T

Gene: PDGFRA (platelet derived growth factor receptor alpha; plus strand). Cytogenetic location: 4q12.
Variant type: single nucleotide variant.
Coding change: c.1365-15C>T on transcript NM_006206.6 (MANE Select); 15 bases into the intron before coding-DNA position 1365, C replaced by T.
Molecular consequence: intron variant.
Genome position (GRCh38, 1-based): chr4:54,273,522, C>T. VCF-style: chr4-54273522-C-T. GRCh37 (hg19) VCF-style: chr4-55139689-C-T.
Other names: c.1440-15C>T (NM_001347828.2); c.1365-15C>T (NM_001347827.2, NM_001347829.2); c.1404-15C>T (NM_001347830.2).
Identifiers: ClinVar variation 4875881 (VCV004875881.1).

ClinVar aggregate classification (germline): Likely benign (1 of 4 stars; one submission).

Conditions:
Polyps, multiple and recurrent inflammatory fibroid, gastrointestinal. Identifiers: MedGen C5193005, MONDO:0008285, OMIM 175510.

gnomAD v4.1: 2 of 1,611,142 alleles (0.00012%); highest among the groups gnomAD compares: South Asian, 0.0022%; no homozygotes.

Submission:

Myriad Genetics, Inc.
Classification: Likely benign for Polyps, multiple and recurrent inflammatory fibroid, gastrointestinal. Last evaluated: 2026-06-15. Review status: criteria provided, single submitter. Criteria: Myriad Autosomal Dominant, Autosomal Recessive and X-Linked Classification Criteria (2023). Collection method: clinical testing. Allele origin: unknown.
Comment: This variant is considered likely benign. This variant is intronic and is not expected to impact mRNA splicing.